The following is an entry in ClinVar:

ClinVar aggregate classification (germline): Pathogenic (1 of 4 stars; one submission).

Submission:

GeneDx
Classification: Pathogenic. Last evaluated: 2015-04-30. Review status: criteria provided, single submitter. Criteria: GeneDx Variant Classification (06012015). Collection method: clinical testing. Allele origin: germline. Affected: yes.
Comment: The c.420_432delCTCCCCCGCCACC mutation in the TBX5 gene causes a frameshift starting with codon Aspartic acid 140, changes this amino acid to a Glutamic acid residue and creates a premature Stop codon at position 6 of the new reading frame, denoted p.Asp140GlufsX6. This mutation is predicted to cause loss of normal protein function either through protein truncation or nonsense-mediated mRNA decay.

NM_181486.4(TBX5):c.420_432del (p.Asp140fs)

Gene: TBX5 (T-box transcription factor 5; minus strand). Cytogenetic location: 12q24.21.
Variant type: Deletion.
Coding change: c.420_432del on transcript NM_181486.4 (MANE Select); coding-DNA positions 420 to 432, 13 bases deleted (CTCCCCCGCCACC).
Protein change: p.Asp140fs; shifts the reading frame from aspartic acid 140.
Molecular consequence: frameshift variant.
Genome position (GRCh38, 1-based): chr12:114,398,651-114,398,663, GGTGGCGGGGGAG deleted on the plus strand (CTCCCCCGCCACC on the coding strand, the reverse complement: TBX5 is on the minus strand). VCF-style (leftmost placement, unchanged base first): chr12-114398650-CGGTGGCGGGGGAG-C. GRCh37 (hg19) VCF-style: chr12-114836455-CGGTGGCGGGGGAG-C.
Other names: c.420_432delCTCCCCCGCCACC (NM_000192.3); c.420_432del, p.Asp140fs (NM_000192.3); c.270_282del, p.Asp90fs (NM_080717.4); short protein forms D140fs, D90fs.
Identifiers: ClinVar variation 213827 (VCV000213827.2), dbSNP rs863223783, ClinGen allele CA322170.